The following is an entry in ClinVar:

NM_004787.4(SLIT2):c.2335T>G (p.Leu779Val)

Gene: SLIT2 (slit guidance ligand 2; plus strand). Cytogenetic location: 4p15.31.
Variant type: single nucleotide variant.
Coding change: c.2335T>G on transcript NM_004787.4 (MANE Select); coding-DNA position 2335, T replaced by G.
Protein change: p.Leu779Val; replaces leucine 779 with valine.
Molecular consequence: missense variant.
Genome position (GRCh38, 1-based): chr4:20,546,089, T>G. VCF-style: chr4-20546089-T-G. GRCh37 (hg19) VCF-style: chr4-20547712-T-G.
Other names: c.2323T>G, p.Leu775Val (NM_001289135.3); c.2311T>G, p.Leu771Val (NM_001289136.3); short protein forms L775V, L771V, L779V.
Identifiers: ClinVar variation 4753959 (VCV004753959.1).

ClinVar aggregate classification (germline): Uncertain significance (1 of 4 stars; one submission).

gnomAD v4.1: 3 of 1,578,096 alleles (0.00019%); highest among the groups gnomAD compares: Admixed American, 0.0052%; no homozygotes.

Submission:

Labcorp Genetics (formerly Invitae), Labcorp
Classification: Uncertain significance. Last evaluated: 2025-05-27. Review status: criteria provided, single submitter. Criteria: Invitae Variant Classification Sherloc (09022015). Collection method: clinical testing. Allele origin: germline.
Comment: This sequence change replaces leucine, which is neutral and non-polar, with valine, which is neutral and non-polar, at codon 779 of the SLIT2 protein (p.Leu779Val). This variant is present in population databases (no rsID available, gnomAD no frequency). This variant has not been reported in the literature in individuals affected with SLIT2-related conditions. An algorithm developed to predict the effect of missense changes on protein structure and function (PolyPhen-2) suggests that this variant is likely to be disruptive. In summary, the available evidence is currently insufficient to determine the role of this variant in disease. Therefore, it has been classified as a Variant of Uncertain Significance.